The following is an entry in ClinVar:

NM_000064.4(C3):c.914dup (p.Val306fs)

Gene: C3 (complement C3; minus strand). Cytogenetic location: 19p13.3.
Variant type: Duplication.
Coding change: c.914dup on transcript NM_000064.4 (MANE Select); coding-DNA position 914, one base duplicated (A; older notation c.914dupA).
Protein change: p.Val306fs; shifts the reading frame from valine 306.
Molecular consequence: frameshift variant.
Genome position (GRCh38, 1-based): chr19:6,713,278, T duplicated on the plus strand (A on the coding strand, the reverse complement: C3 is on the minus strand); the first of 2 consecutive T bases (chr19:6,713,278-6,713,279); duplicating either gives the same sequence. VCF-style (leftmost placement, unchanged base first): chr19-6713277-C-CT. GRCh37 (hg19) VCF-style: chr19-6713288-C-CT.
Other names: short protein forms V306fs.
Identifiers: ClinVar variation 4280148 (VCV004280148.1).
Genomic context (GRCh38, chr19:6,713,277, plus strand): 5'-GTACAAAGACTTCCCCACCAGGTCTTCTGCTCGGGGGTTCTGCACCCCGTCCAGCAGTAC[C>CT]TTCCGGCTCAGCACAACCTCCCCCGAGCCATCCTCAATCTGAGAAGGGAGAGGAGGGCTC-3'

ClinVar aggregate classification (germline): Uncertain significance (1 of 4 stars; one submission).

Conditions:
C3 glomerulonephritis. Also called: C3 GLOMERULOPATHY 3; Nephropathy due to CFHR5 Deficiency. Identifiers: Orphanet 329931, MedGen C4055342, MONDO:0013892, OMIM 614809.

Submission:

Genomenon, Inc
Classification: Uncertain significance for C3 glomerulonephritis. Last evaluated: 2025-09-30. Review status: criteria provided, single submitter. Criteria: Genomenon Sequence Variant Interpretation Standards. Collection method: curation. Allele origin: germline. Affected: no.
Comment: C3 p.Val306GlyfsTer32 (c.914dup) is a frameshift variant that results in the production of a truncated protein. This variant has been reported in the published literature (PMID:36165144). It is absent or not present at a significant frequency in gnomAD. In conclusion, we classify C3 p.Val306GlyfsTer32 (c.914dup) as a variant of uncertain significance.

Literature cited by the submitters: PubMed 36165144.